The following is an entry in ClinVar:

ClinVar aggregate classification (germline): Benign (1 of 4 stars; one submission).

Allele frequency attached by ClinVar (database versions not stated): gnomAD 0.35771 and 0.36437; TOPMed 0.37071; 1000 Genomes Project 0.37280; 1000 Genomes Project 30x 0.37820.

Submission:

GeneDx
Classification: Benign. Last evaluated: 2018-06-14. Review status: criteria provided, single submitter. Criteria: GeneDx Variant Classification (06012015). Collection method: clinical testing. Allele origin: germline. Affected: yes.
Comment: This variant is considered likely benign or benign based on one or more of the following criteria: it is a conservative change, it occurs at a poorly conserved position in the protein, it is predicted to be benign by multiple in silico algorithms, and/or has population frequency not consistent with disease.

NM_001105206.3(LAMA4):c.5206+184C>T

Gene: LAMA4 (laminin subunit alpha 4; minus strand). Cytogenetic location: 6q21.
Variant type: single nucleotide variant.
Coding change: c.5206+184C>T on transcript NM_001105206.3 (MANE Select); 184 bases into the intron after coding-DNA position 5206, C replaced by T.
Molecular consequence: intron variant.
Genome position (GRCh38, 1-based): chr6:112,114,479, G>A on the plus strand (C>T on the coding strand, the complement: LAMA4 is on the minus strand). VCF-style: chr6-112114479-G-A. GRCh37 (hg19) VCF-style: chr6-112435682-G-A.
Other names: c.5185+184C>T (NM_002290.5, NM_001105207.3).
Identifiers: ClinVar variation 672743 (VCV000672743.1), dbSNP rs6916947, ClinGen allele CA144877462.